The following is an entry in ClinVar:

NM_015331.3(NCSTN):c.1071G>C (p.Glu357Asp)

Gene: NCSTN (nicastrin; plus strand). Cytogenetic location: 1q23.2.
Variant type: single nucleotide variant.
Coding change: c.1071G>C on transcript NM_015331.3 (MANE Select); coding-DNA position 1071, G replaced by C.
Protein change: p.Glu357Asp; replaces glutamic acid 357 with aspartic acid.
Molecular consequence: missense variant.
Genome position (GRCh38, 1-based): chr1:160,352,961, G>C. VCF-style: chr1-160352961-G-C. GRCh37 (hg19) VCF-style: chr1-160322751-G-C.
Other names: c.1011G>C, p.Glu337Asp (NM_001290184.2); c.657G>C, p.Glu219Asp (NM_001290186.2); c.1071G>C, p.Glu357Asp (NM_001349729.2); short protein forms E357D, E219D, E337D.
Identifiers: ClinVar variation 1428797 (VCV001428797.7), dbSNP rs755455040, ClinGen allele CA1198885.

ClinVar aggregate classification (germline): Uncertain significance. Review status: criteria provided, multiple submitters, no conflicts (2 of 4 stars). 2 submissions from 2 submitters: Uncertain significance (2). Last evaluated 2021-10-27.

Allele frequency attached by ClinVar (database versions not stated): gnomAD exomes below 0.00001 and 0.00001; ExAC 0.00002; gnomAD 0.00004; TOPMed 0.00006.
gnomAD v4.1: 9 of 1,614,070 alleles (0.00056%); highest among the groups gnomAD compares: African/African-American, 0.011%; no homozygotes.

Submissions (2):

Labcorp Genetics (formerly Invitae), Labcorp
Classification: Uncertain significance. Last evaluated: 2021-10-27. Review status: criteria provided, single submitter. Criteria: Invitae Variant Classification Sherloc (09022015). Collection method: clinical testing. Allele origin: germline.
Comment: This sequence change replaces glutamic acid, a(n) acidic and polar amino acid, with aspartic acid, a(n) acidic and polar amino acid, at codon 357 of the NCSTN protein (p.Glu357Asp). This variant is present in population databases (rs755455040, gnomAD 0.02%). This variant has not been reported in the literature in individuals affected with NCSTN-related conditions. Algorithms developed to predict the effect of missense changes on protein structure and function output the following: SIFT: "Tolerated"; PolyPhen-2: "Benign"; Align-GVGD: "Class C0". The aspartic acid amino acid residue is found in multiple mammalian species, which suggests that this missense change does not adversely affect protein function. In summary, the available evidence is currently insufficient to determine the role of this variant in disease. Therefore, it has been classified as a Variant of Uncertain Significance.

Breakthrough Genomics
Classification: Uncertain significance. Review status: criteria provided, single submitter. Criteria: ACMG Guidelines, 2015. Collection method: not provided. Allele origin: germline. Inheritance: Autosomal dominant inheritance. Affected: yes.